The following is an entry in ClinVar:

NM_004168.4(SDHA):c.*6C>A

Gene: SDHA (succinate dehydrogenase complex flavoprotein subunit A; plus strand). Cytogenetic location: 5p15.33.
Variant type: single nucleotide variant.
Coding change: c.*6C>A on transcript NM_004168.4 (MANE Select); 6 bases downstream of the stop codon, C replaced by A.
Molecular consequence: 3 prime UTR variant.
Genome position (GRCh38, 1-based): chr5:256,426, C>A. VCF-style: chr5-256426-C-A. GRCh37 (hg19) VCF-style: chr5-256541-C-A.
Other names: c.*6C>A (NM_001294332.2, NM_001330758.2).
Identifiers: ClinVar variation 3904404 (VCV003904404.1).
Genomic context (GRCh38, chr5:256,426, plus strand): 5'-AACTTTGAACGAGGCTGACTGTGCCACCGTCCCGCCAGCCATTCGCTCCTACTGATGAGA[C>A]AAGATGTGGTGATGACAGAATCAGCTTTTGTAATTATGTATAATAGCTCATGCATGTGTC-3'

ClinVar aggregate classification (germline): Benign (1 of 4 stars; one submission).

Conditions:
Pheochromocytoma/paraganglioma syndrome 5. Also called: Paragangliomas 5; SDHA-Related Hereditary Paraganglioma-Pheochromocytoma Syndrome. Identifiers: Orphanet 29072, MedGen C3279992, MONDO:0013602, OMIM 614165.

Submission:

Myriad Genetics, Inc.
Classification: Benign for Pheochromocytoma/paraganglioma syndrome 5. Last evaluated: 2025-03-11. Review status: criteria provided, single submitter. Criteria: Myriad Autosomal Dominant, Autosomal Recessive and X-Linked Classification Criteria (2023). Collection method: clinical testing. Allele origin: unknown.
Comment: This variant is considered benign. This variant occurs in the non-coding 3' untranslated region of the gene, and is not expected to impact protein function.